The following is an entry in ClinVar:

ClinVar aggregate classification (germline): Uncertain significance (1 of 4 stars; one submission).

Conditions:
Intellectual developmental disorder, autosomal dominant 71, with behavioral abnormalities (MRD71). Identifiers: MedGen C5830437, MONDO:0957228, OMIM 620330.

Submission:

Victorian Clinical Genetics Services, Murdoch Childrens Research Institute
Classification: Uncertain significance for Intellectual developmental disorder, autosomal dominant 71, with behavioral abnormalities. Last evaluated: 2025-10-09. Review status: criteria provided, single submitter. Criteria: ACMG Guidelines, 2015. Collection method: clinical testing. Allele origin: germline. Affected: yes.
Comment: This variant is classified as VUS-3B. Evidence in support of pathogenic classification: Variant is predicted to cause nonsense-mediated decay (NMD) and loss of protein (premature termination codon is located at least 54 nucleotides upstream of the final exon-exon junction); Variant is absent from gnomAD (v2, v3 and v4). Additional information: This variant is heterozygous; This gene is associated with autosomal dominant disease; This variant has no previous evidence of pathogenicity; No published evidence of segregation with disease has been identified for this variant; No published functional evidence has been identified for this variant; Other NMD-predicted variant(s) comparable to the one identified in this case have inconclusive previous evidence for pathogenicity. p.(Ser101Ilefs*16) and p.(Leu234*) have been classified as VUS by a clinical laboratory in ClinVar. However, p.(Val34Glyfs*27) has been classified as likely pathogenic in ClinVar; The mechanism of disease for this gene is not clearly established. However, loss of function is a suggested mechanism (PMID: 33658631).

Literature cited by the submitters: PubMed 33658631.

NM_022841.7(RFX7):c.310C>T (p.Gln104Ter)

Gene: RFX7 (regulatory factor X7; minus strand). Cytogenetic location: 15q21.3.
Variant type: single nucleotide variant.
Coding change: c.310C>T on transcript NM_022841.7 (MANE Select); coding-DNA position 310, C replaced by T.
Protein change: p.Gln104Ter; replaces glutamine 104 with a stop codon.
Molecular consequence: nonsense.
Genome position (GRCh38, 1-based): chr15:56,142,869, G>A on the plus strand (C>T on the coding strand, the complement: RFX7 is on the minus strand). VCF-style: chr15-56142869-G-A. GRCh37 (hg19) VCF-style: chr15-56435067-G-A.
Other names: c.19C>T, p.Gln7Ter (NM_001368073.2, NM_001368074.1, NM_001370554.1); c.310C>T, p.Gln104Ter (NM_001370561.1); short protein forms Q104*, Q7*.
Identifiers: ClinVar variation 4531503 (VCV004531503.1).
Genomic context (GRCh38, chr15:56,142,869, plus strand): 5'-GTGAAGTCTCCGGATGTTCCTCTAGGGTATTCCGAATCCAGGAAAAGGCATGCATTTGTT[G>A]TGCCCGACTAGATGACATGGCATTCTGATCACTAATAGAATGAAAACATGTTTTAGCTGA-3'